The following is an entry in ClinVar:

ClinVar aggregate classification (germline): Uncertain significance (1 of 4 stars; one submission).

Conditions:
Autosomal recessive nonsyndromic hearing loss 77. Identifiers: Orphanet 90636, MedGen C2746083, MONDO:0013119, OMIM 613079.

gnomAD v4.1: 1 of 1,551,102 alleles (0.000064%); no homozygotes.

Submission:

Genetics Research Center, University of Social Welfare and Rehabilitation Sciences
Classification: Uncertain significance for Autosomal recessive nonsyndromic hearing loss 77. Last evaluated: 2026-05-06. Review status: criteria provided, single submitter. Criteria: ACMG Guidelines, 2015. Collection method: research. Allele origin: germline. Inheritance: Autosomal recessive inheritance. Affected: yes. Observed: 1 variant allele, 1 compound heterozygote.
Comment: The variant is present in the gnomAD v2.1.1 dataset at a very low allele frequency (0.0001%). Multiple in silico prediction tools suggest that this variant is damaging to protein function.

Literature cited by the submitters: PubMed 36633841.

NM_001384474.1(LOXHD1):c.1136T>A (p.Val379Glu)

Gene: LOXHD1 (lipoxygenase homology PLAT domains 1; minus strand). Cytogenetic location: 18q21.1.
Variant type: single nucleotide variant.
Coding change: c.1136T>A on transcript NM_001384474.1 (MANE Select); coding-DNA position 1136, T replaced by A.
Protein change: p.Val379Glu; replaces valine 379 with glutamic acid.
Molecular consequence: missense variant.
Genome position (GRCh38, 1-based): chr18:46,594,465, A>T on the plus strand (T>A on the coding strand, the complement: LOXHD1 is on the minus strand). VCF-style: chr18-46594465-A-T. GRCh37 (hg19) VCF-style: chr18-44174428-A-T.
Other names: c.1136T>A, p.Val379Glu (NM_144612.7); short protein forms V379E.
Identifiers: ClinVar variation 4850495 (VCV004850495.1).
Genomic context (GRCh38, chr18:46,594,465, plus strand): 5'-TCCAGCCAGTTGCTACAAGGGAAGGTCTGCTGGATACCAGTGAAGGGGCACAGAATCACC[A>T]CCTGGGGAGAGTGGAGCACAGTGTCTCCGGCATTGAGTCTCCAGTAGGGTCCTCTTCGTG-3'
Protein context (NP_001371403.1, residues 369-389): GVNRGWFCEK[Val379Glu]VILCPFTGIQ